The following is an entry in ClinVar:

NM_001151.4(SLC25A4):c.704G>A (p.Arg235His)

Gene: SLC25A4 (solute carrier family 25 member 4; plus strand). Cytogenetic location: 4q35.1.
Variant type: single nucleotide variant.
Coding change: c.704G>A on transcript NM_001151.4 (MANE Select); coding-DNA position 704, G replaced by A.
Protein change: p.Arg235His; replaces arginine 235 with histidine.
Molecular consequence: missense variant.
Genome position (GRCh38, 1-based): chr4:185,145,864, G>A. VCF-style: chr4-185145864-G-A. GRCh37 (hg19) VCF-style: chr4-186067018-G-A.
Other names: short protein forms R235H.
Identifiers: ClinVar variation 451379 (VCV000451379.2), dbSNP rs1553967679, ClinGen allele CA358897213.

ClinVar aggregate classification (germline): Uncertain significance (1 of 4 stars; one submission).

Allele frequency attached by ClinVar (database versions not stated): gnomAD exomes below 0.00001.
gnomAD v4.1: 1 of 1,614,222 alleles (0.000062%); highest among the groups gnomAD compares: Non-Finnish European, 0.000085%; no homozygotes.

Submission:

GeneDx
Classification: Uncertain significance. Last evaluated: 2017-08-30. Review status: criteria provided, single submitter. Criteria: GeneDx Variant Classification (06012015). Collection method: clinical testing. Allele origin: germline. Affected: yes.
Comment: The R235H variant has not been published as a pathogenic variant, nor has it been reported as a benign variant to our knowledge. The R235H variant is not observed in large population cohorts (Lek et al., 2016; 1000 Genomes Consortium et al., 2015; Exome Variant Server). The R235H variant is a conservative amino acid substitution, which is not likely to impact secondary protein structure as these residues share similar properties. This substitution occurs at a position that is conserved across species. In silico analysis predicts this variant is probably damaging to the protein structure/function. A missense variant in the same residue (R235G) has been reported as a pathogenic variant in association with autosomal dominant mitochondrial DNA depletion syndrome (Thompson et al. 2016), supporting the functional importance of this region of the protein. In summary, based on the currently available information, it is unclear whether the R235H variant is a pathogenic variant or a rare benign variant.